The following is an entry in ClinVar:

NM_004360.5(CDH1):c.1256A>C (p.Asp419Ala)

Gene: CDH1 (cadherin 1; plus strand). Cytogenetic location: 16q22.1.
Variant type: single nucleotide variant.
Coding change: c.1256A>C on transcript NM_004360.5 (MANE Select); coding-DNA position 1256, A replaced by C.
Protein change: p.Asp419Ala; replaces aspartic acid 419 with alanine.
Molecular consequence: missense variant. On other transcripts: 5 prime UTR variant (2), intron variant (1).
Genome position (GRCh38, 1-based): chr16:68,813,431, A>C. VCF-style: chr16-68813431-A-C. GRCh37 (hg19) VCF-style: chr16-68847334-A-C.
Other names: c.-360A>C (NM_001317185.2); c.-564A>C (NM_001317186.2); c.1137+1168A>C (NM_001317184.2); short protein forms D419A.
Identifiers: ClinVar variation 1511676 (VCV001511676.6), dbSNP rs2152133545, ClinGen allele CA396461602.

ClinVar aggregate classification (germline): Uncertain significance (1 of 4 stars; one submission).

Conditions:
Hereditary diffuse gastric adenocarcinoma (HDGC). Also called: DIFFUSE GASTRIC AND LOBULAR BREAST CANCER SYNDROME. Identifiers: Orphanet 26106, MedGen C1708349, MONDO:0007648, OMIM 137215.

gnomAD v4.1: 1 of 1,614,194 alleles (0.000062%); highest among the groups gnomAD compares: Non-Finnish European, 0.000085%; no homozygotes.

Submission:

Labcorp Genetics (formerly Invitae), Labcorp
Classification: Uncertain significance for Hereditary diffuse gastric adenocarcinoma. Last evaluated: 2021-08-10. Review status: criteria provided, single submitter. Criteria: Invitae Variant Classification Sherloc (09022015). Collection method: clinical testing. Allele origin: germline.
Comment: This variant is not present in population databases (ExAC no frequency). In summary, the available evidence is currently insufficient to determine the role of this variant in disease. Therefore, it has been classified as a Variant of Uncertain Significance. Algorithms developed to predict the effect of missense changes on protein structure and function (SIFT, PolyPhen-2, Align-GVGD) all suggest that this variant is likely to be tolerated. This variant has not been reported in the literature in individuals affected with CDH1-related conditions. This sequence change replaces aspartic acid with alanine at codon 419 of the CDH1 protein (p.Asp419Ala). The aspartic acid residue is weakly conserved and there is a moderate physicochemical difference between aspartic acid and alanine.